The following is an entry in ClinVar:

NM_004364.5(CEBPA):c.304G>C (p.Gly102Arg)

Gene: CEBPA (CCAAT enhancer binding protein alpha; minus strand). Cytogenetic location: 19q13.11.
Variant type: single nucleotide variant.
Coding change: c.304G>C on transcript NM_004364.5 (MANE Select); coding-DNA position 304, G replaced by C.
Protein change: p.Gly102Arg; replaces glycine 102 with arginine.
Molecular consequence: missense variant. On other transcripts: 5 prime UTR variant (1).
Genome position (GRCh38, 1-based): chr19:33,302,111, C>G on the plus strand (G>C on the coding strand, the complement: CEBPA is on the minus strand). VCF-style: chr19-33302111-C-G. GRCh37 (hg19) VCF-style: chr19-33793017-C-G.
Other names: c.-54G>C (NM_001285829.2); c.409G>C, p.Gly137Arg (NM_001287424.2); c.262G>C, p.Gly88Arg (NM_001287435.2); short protein forms G88R, G137R, G102R.
Identifiers: ClinVar variation 1361042 (VCV001361042.8), dbSNP rs1455462308, ClinGen allele CA405275232.
Genomic context (GRCh38, chr19:33,302,111, plus strand): 5'-CGGGCATGACGGCGCCGCCGGGGCCCGCGGGCGCGCCCGGGTAGTCAAAGTCGCCGCCGC[C>G]GCCGCCGCCCGTGGGGCCCACGGCCGCCTTGGCCTTCTCCTGCTGCCGGCTGTGCTGGAA-3'
Protein context (NP_004355.2, residues 92-112): KAAVGPTGGG[Gly102Arg]GGDFDYPGAP

ClinVar aggregate classification (germline): Uncertain significance (1 of 4 stars; one submission).

Conditions:
Acute myeloid leukemia (AML). Also called: Leukemia, acute myeloid, somatic; Leukemia, acute myelogenous, somatic; Acute myeloid leukemia, adult; AML adult; Acute non-lymphocytic leukemia; Acute granulocytic leukemia. Identifiers: Orphanet 519, MedGen C0023467, MeSH D015470, MONDO:0018874, OMIM 601626, HP:0004808. Disease mechanism: Constitutively activated FLT3.

Submission:

Labcorp Genetics (formerly Invitae), Labcorp
Classification: Uncertain significance for Acute myeloid leukemia. Last evaluated: 2021-06-12. Review status: criteria provided, single submitter. Criteria: Invitae Variant Classification Sherloc (09022015). Collection method: clinical testing. Allele origin: germline.
Comment: In summary, the available evidence is currently insufficient to determine the role of this variant in disease. Therefore, it has been classified as a Variant of Uncertain Significance. Algorithms developed to predict the effect of missense changes on protein structure and function are either unavailable or do not agree on the potential impact of this missense change (SIFT: "Deleterious"; PolyPhen-2: "Benign"; Align-GVGD: "Class C0"). This variant has not been reported in the literature in individuals with CEBPA-related conditions. The frequency data for this variant in the population databases is considered unreliable, as metrics indicate insufficient coverage at this position in the ExAC database. This sequence change replaces glycine with arginine at codon 102 of the CEBPA protein (p.Gly102Arg). The glycine residue is weakly conserved and there is a moderate physicochemical difference between glycine and arginine.